The following is an entry in ClinVar:

NM_007294.4(BRCA1):c.2998G>C (p.Glu1000Gln)

Gene: BRCA1 (BRCA1 DNA repair associated; minus strand). Cytogenetic location: 17q21.31.
Variant type: single nucleotide variant.
Coding change: c.2998G>C on transcript NM_007294.4 (MANE Select); coding-DNA position 2998, G replaced by C.
Protein change: p.Glu1000Gln; replaces glutamic acid 1000 with glutamine.
Molecular consequence: missense variant. On other transcripts: intron variant (137).
Genome position (GRCh38, 1-based): chr17:43,092,533, C>G on the plus strand (G>C on the coding strand, the complement: BRCA1 is on the minus strand). VCF-style: chr17-43092533-C-G. GRCh37 (hg19) VCF-style: chr17-41244550-C-G.
Other names: c.2995G>C, p.Glu999Gln (NM_001407627.1, NM_001407628.1, NM_001407629.1 and 22 more transcripts); c.2989G>C, p.Glu997Gln (NM_001407647.1, NM_001407646.1); c.2875G>C, p.Glu959Gln (NM_001407648.1, NM_001407668.1, NM_001407669.1 and 19 more transcripts); c.2872G>C, p.Glu958Gln (NM_001407649.1, NM_001407670.1, NM_001407671.1 and 11 more transcripts); c.2998G>C, p.Glu1000Gln (NM_001407652.1, NM_001407859.1, NM_001407581.1 and 30 more transcripts); c.2920G>C, p.Glu974Gln (NM_001407653.1, NM_001407654.1, NM_001407655.1 and 4 more transcripts); c.2857G>C, p.Glu953Gln (NM_001407692.1, NM_001407694.1, NM_001407695.1 and 29 more transcripts); c.2854G>C, p.Glu952Gln (NM_001407740.1, NM_001407741.1, NM_001407838.1 and 20 more transcripts); and 41 more; short protein forms E1000Q, E953Q, E873Q, E889Q, E930Q, E932Q, E973Q, E704Q.
Identifiers: ClinVar variation 1369424 (VCV001369424.12), dbSNP rs80357124, ClinGen allele CA10596004.

ClinVar aggregate classification (germline): Conflicting classifications of pathogenicity. Review status: criteria provided, conflicting classifications (1 of 4 stars). 3 submissions from 3 submitters: Uncertain significance (2); Likely benign (1). Last evaluated 2026-07-06.

Conditions:
Hereditary cancer-predisposing syndrome. Also called: Hereditary Cancer Syndrome; Neoplastic Syndromes, Hereditary; Hereditary neoplastic syndrome; Tumor predisposition. Identifiers: Orphanet 140162, MedGen C0027672, MeSH D009386, MONDO:0015356.
Hereditary breast ovarian cancer syndrome. Also called: Breast and ovarian cancer; Hereditary breast and ovarian cancer syndrome; Hereditary breast and ovarian cancer syndrome (HBOC); Hereditary breast and ovarian cancer; Hereditary breast and/or ovarian cancer syndrome; BRCA1- and BRCA2-Associated Hereditary Breast and Ovarian Cancer. Identifiers: Orphanet 145, MedGen C0677776, MeSH D061325, MONDO:0003582. Disease mechanism: loss of function.

Submissions (3):

Ambry Genetics
Classification: Uncertain significance for Hereditary cancer-predisposing syndrome. Last evaluated: 2026-07-06. Review status: criteria provided, single submitter. Criteria: Ambry Variant Classification Scheme 2023. Collection method: clinical testing. Allele origin: germline.
Comment: The p.E1000Q variant (also known as c.2998G>C), located in coding exon 9 of the BRCA1 gene, results from a G to C substitution at nucleotide position 2998. The glutamic acid at codon 1000 is replaced by glutamine, an amino acid with highly similar properties. This amino acid position is conserved. In addition, the in silico prediction for this alteration is inconclusive. Based on the available evidence, the clinical significance of this variant remains unclear.

University of Washington Department of Laboratory Medicine, University of Washington
Classification: Likely benign for Hereditary cancer-predisposing syndrome. Last evaluated: 2023-03-23. Review status: criteria provided, single submitter. Criteria: Dines et al. (Genet Med. 2020). Collection method: curation. Allele origin: germline.
Comment: Missense variant in a coldspot region where missense variants are very unlikely to be pathogenic (PMID:31911673).

BRCA1 coldspot (exon 11 using historical exon numbering). Reclassification based on statistical prior probability

Labcorp Genetics (formerly Invitae), Labcorp
Classification: Uncertain significance for Hereditary breast ovarian cancer syndrome. Last evaluated: 2021-07-24. Review status: criteria provided, single submitter. Criteria: Invitae Variant Classification Sherloc (09022015). Collection method: clinical testing. Allele origin: germline.
Comment: This variant is not present in population databases (ExAC no frequency). In summary, the available evidence is currently insufficient to determine the role of this variant in disease. Therefore, it has been classified as a Variant of Uncertain Significance. Advanced modeling of protein sequence and biophysical properties (such as structural, functional, and spatial information, amino acid conservation, physicochemical variation, residue mobility, and thermodynamic stability) performed at Invitae indicates that this missense variant is not expected to disrupt BRCA1 protein function. This variant has not been reported in the literature in individuals affected with BRCA1-related conditions. This sequence change replaces glutamic acid with glutamine at codon 1000 of the BRCA1 protein (p.Glu1000Gln). The glutamic acid residue is moderately conserved and there is a small physicochemical difference between glutamic acid and glutamine.